The following is an entry in ClinVar:

NM_000789.4(ACE):c.3304C>A (p.Pro1102Thr)

Gene: ACE (angiotensin I converting enzyme; plus strand). Cytogenetic location: 17q23.3.
Variant type: single nucleotide variant.
Coding change: c.3304C>A on transcript NM_000789.4 (MANE Select); coding-DNA position 3304, C replaced by A.
Protein change: p.Pro1102Thr; replaces proline 1102 with threonine.
Molecular consequence: missense variant. On other transcripts: non-coding transcript variant (1).
Genome position (GRCh38, 1-based): chr17:63,494,394, C>A. VCF-style: chr17-63494394-C-A. GRCh37 (hg19) VCF-style: chr17-61571755-C-A.
Other names: p.Pro1102Thr; c.1582C>A, p.Pro528Thr (NM_001178057.2, NM_152830.3); c.2737C>A, p.Pro913Thr (NM_001382700.1); c.2452C>A, p.Pro818Thr (NM_001382701.1); c.1042C>A, p.Pro348Thr (NM_001382702.1); c.3304C>A (NM_000789.3); short protein forms P1102T, P348T, P528T, P818T, P913T.
Identifiers: ClinVar variation 1328008 (VCV001328008.36), dbSNP rs145349565, ClinGen allele CA8700447.

ClinVar aggregate classification (germline): Benign/Likely benign. Review status: criteria provided, multiple submitters, no conflicts (2 of 4 stars). 7 submissions from 7 submitters: Benign (3); Likely benign (2). 2 of the submissions do not count toward it. Last evaluated 2025-10-15.

Conditions:
ACE-related disorder. Also called: ACE-related condition; ACE-related disorders.

Allele frequency attached by ClinVar (database versions not stated): gnomAD exomes 0.00069; ExAC 0.00092; 1000 Genomes Project 0.00240; gnomAD 0.00272 and 0.00302; 1000 Genomes Project 30x 0.00312; TOPMed 0.00332; ESP Exome Variant Server 0.00377.
gnomAD v4.1: 802 of 1,614,082 alleles (0.05%); highest among the groups gnomAD compares: African/African-American, 0.96%; 5 homozygotes.

Submissions (7):

Labcorp Genetics (formerly Invitae), Labcorp
Classification: Benign. Last evaluated: 2025-10-15. Review status: criteria provided, single submitter. Criteria: Invitae Variant Classification Sherloc (09022015). Collection method: clinical testing. Allele origin: germline.

Mayo Clinic Laboratories, Mayo Clinic
Classification: Likely benign. Last evaluated: 2025-10-01. Review status: criteria provided, single submitter. Criteria: ACMG Guidelines, 2015. Collection method: clinical testing. Allele origin: germline. Observed: 1 variant allele.
Comment: BS1

PreventionGenetics, part of Exact Sciences
Classification: Benign for ACE-related condition. Last evaluated: 2025-05-20. Review status: criteria provided, single submitter. Criteria: ACMG Guidelines, 2015. Collection method: clinical testing. Allele origin: germline.
Comment: This variant is classified as benign based on ACMG/AMP sequence variant interpretation guidelines (Richards et al. 2015 PMID: 25741868, with internal and published modifications).

CeGaT Center for Human Genetics Tuebingen
Classification: Likely benign. Last evaluated: 2023-05-01. Review status: criteria provided, single submitter. Criteria: CeGaT Center For Human Genetics Tuebingen Variant Classification Criteria Version 2. Collection method: clinical testing. Allele origin: germline. Affected: yes. Observed: 1 variant allele.
Comment: ACE: BS1

Breakthrough Genomics
Classification: Benign. Review status: criteria provided, single submitter. Criteria: ACMG Guidelines, 2015. Collection method: not provided. Allele origin: germline. Inheritance: Autosomal recessive inheritance. Affected: yes.

Clinical Genetics DNA and cytogenetics Diagnostics Lab, Erasmus MC, Erasmus Medical Center
Classification: Benign. Review status: no assertion criteria provided. Collection method: clinical testing. Allele origin: germline. Affected: yes. Study: VKGL Data-share Consensus. Not counted in ClinVar's aggregate classification.

Genome Diagnostics Laboratory, University Medical Center Utrecht
Classification: Likely benign. Review status: no assertion criteria provided. Collection method: clinical testing. Allele origin: germline. Affected: yes. Study: VKGL Data-share Consensus. Not counted in ClinVar's aggregate classification.